The following is an entry in ClinVar:

NC_000016.10:g.(89771815_89773270)_(89816657_?)del

Gene: FANCA (FA complementation group A; minus strand). Cytogenetic location: 16q24.3.
Variant type: Deletion.
Identifiers: ClinVar variation 974176 (VCV000974176.1).

ClinVar aggregate classification (germline): Uncertain significance (0 of 4 stars; one submission).

Conditions:
Fanconi anemia complementation group A (FANCA). Also called: Fanconi anemia, group A; FANCA-Related Fanconi Anemia. Identifiers: Orphanet 84, MedGen C3469521, MONDO:0009215, OMIM 227650.

Submission:

Leiden Open Variation Database
Classification: Uncertain significance for Fanconi anemia complementation group A. Last evaluated: 2020-02-28. Review status: no assertion criteria provided. Collection method: curation. Allele origin: germline. Affected: yes.
Comment: Curator: Arleen D. Auerbach. Submitter to LOVD: Arleen D. Auerbach.